The following is an entry in ClinVar:

NM_005911.6(MAT2A):c.17A>T (p.Asn6Ile)

Gene: MAT2A (methionine adenosyltransferase 2A; plus strand). Cytogenetic location: 2p11.2.
Variant type: single nucleotide variant.
Coding change: c.17A>T on transcript NM_005911.6 (MANE Select); coding-DNA position 17, A replaced by T.
Protein change: p.Asn6Ile; replaces asparagine 6 with isoleucine.
Molecular consequence: missense variant.
Genome position (GRCh38, 1-based): chr2:85,539,304, A>T. VCF-style: chr2-85539304-A-T. GRCh37 (hg19) VCF-style: chr2-85766427-A-T.
Other names: short protein forms N6I.
Identifiers: ClinVar variation 1780352 (VCV001780352.4), dbSNP rs779310038, ClinGen allele CA347475129.
Genomic context (GRCh38, chr2:85,539,304, plus strand): 5'-GCCGCTGCTCCTTCGTAAGGCCACTTCCGCACACCGACACCAACATGAACGGACAGCTCA[A>T]CGGCTTCCACGAGGCGTTCATCGAGGAGGGCACATTCCTTTTCACCTCAGAGTCGGTCGG-3'
Protein context (NP_005902.1, residues 1-16): MNGQL[Asn6Ile]GFHEAFIEEG

ClinVar aggregate classification (germline): Uncertain significance. Review status: criteria provided, multiple submitters, no conflicts (2 of 4 stars). 2 submissions from 2 submitters: Uncertain significance (2). Last evaluated 2025-12-22.

Conditions:
Cardiovascular phenotype. Identifiers: MedGen CN230736.
Familial thoracic aortic aneurysm and aortic dissection (TAAD). Also called: Thoracic aortic aneurysms and dissections. Identifiers: Orphanet 91387, MedGen C4707243, MONDO:0019625.

Allele frequency attached by ClinVar (database versions not stated): TOPMed below 0.00001.
gnomAD v4.1: 1 of 1,605,590 alleles (0.000062%); highest among the groups gnomAD compares: Non-Finnish European, 0.000085%; no homozygotes.

Submissions (2):

Labcorp Genetics (formerly Invitae), Labcorp
Classification: Uncertain significance for Familial thoracic aortic aneurysm and aortic dissection. Last evaluated: 2025-12-22. Review status: criteria provided, single submitter. Criteria: Invitae Variant Classification Sherloc (09022015). Collection method: clinical testing. Allele origin: germline.
Comment: This sequence change replaces asparagine, which is neutral and polar, with isoleucine, which is neutral and non-polar, at codon 6 of the MAT2A protein (p.Asn6Ile). This variant is not present in population databases (gnomAD no frequency). This variant has not been reported in the literature in individuals affected with MAT2A-related conditions. ClinVar contains an entry for this variant (Variation ID: 1780352). An algorithm developed to predict the effect of missense changes on protein structure and function (PolyPhen-2) suggests that this variant is likely to be tolerated. In summary, the available evidence is currently insufficient to determine the role of this variant in disease. Therefore, it has been classified as a Variant of Uncertain Significance.

Ambry Genetics
Classification: Uncertain significance for Cardiovascular phenotype. Last evaluated: 2025-11-11. Review status: criteria provided, single submitter. Criteria: Ambry Variant Classification Scheme 2023. Collection method: clinical testing. Allele origin: germline.